The following is an entry in ClinVar:

ClinVar aggregate classification (germline): Likely benign. Review status: criteria provided, multiple submitters, no conflicts (2 of 4 stars). 2 submissions from 2 submitters: Likely benign (2). Last evaluated 2025-06-22.

Conditions:
Ehlers-Danlos syndrome, classic type, 1 (EDSCL1). Also called: Ehlers-Danlos Syndrome, Classic Type, COL5A1-Related; EDS I; Ehlers-Danlos syndrome, type 1; EHLERS-DANLOS SYNDROME, GRAVIS TYPE; EHLERS-DANLOS SYNDROME, SEVERE CLASSIC TYPE. Identifiers: MedGen C0268335, MONDO:0019567, OMIM 130000.

Submissions (2):

Labcorp Genetics (formerly Invitae), Labcorp
Classification: Likely benign for Ehlers-Danlos syndrome, classic type, 1. Last evaluated: 2025-06-22. Review status: criteria provided, single submitter. Criteria: Invitae Variant Classification Sherloc (09022015). Collection method: clinical testing. Allele origin: germline.

GeneDx
Classification: Likely benign. Last evaluated: 2017-12-08. Review status: criteria provided, single submitter. Criteria: GeneDx Variant Classification (06012015). Collection method: clinical testing. Allele origin: germline. Affected: yes.
Comment: This variant is considered likely benign or benign based on one or more of the following criteria: it is a conservative change, it occurs at a poorly conserved position in the protein, it is predicted to be benign by multiple in silico algorithms, and/or has population frequency not consistent with disease.

NM_000093.5(COL5A1):c.2332-9T>G

Gene: COL5A1 (collagen type V alpha 1 chain; plus strand). Cytogenetic location: 9q34.3.
Variant type: single nucleotide variant.
Coding change: c.2332-9T>G on transcript NM_000093.5 (MANE Select); 9 bases into the intron before coding-DNA position 2332, T replaced by G.
Molecular consequence: intron variant.
Genome position (GRCh38, 1-based): chr9:134,774,850, T>G. VCF-style: chr9-134774850-T-G. GRCh37 (hg19) VCF-style: chr9-137666696-T-G.
Other names: c.2332-9T>G (NM_001278074.1).
Identifiers: ClinVar variation 514015 (VCV000514015.5), dbSNP rs1554797620, ClinGen allele CA658797343.
Genomic context (GRCh38, chr9:134,774,850, plus strand): 5'-GTTTCCTGATGTTCCCCAGGCACCTCCACACTGGCATGGGGCTAACGGTCTTTTTCTGTT[T>G]GGTTTTAGGGTCCACCTGGCCCCCAGGGTCCGATTGGCTACCCAGGTCCTCGAGGAGTCA-3'